The following is an entry in ClinVar:

ClinVar aggregate classification (germline): Pathogenic/Likely pathogenic. Review status: criteria provided, multiple submitters, no conflicts (2 of 4 stars). 3 submissions from 3 submitters: Pathogenic (1); Likely pathogenic (2). Last evaluated 2023-10-04.

Conditions:
Bardet-Biedl syndrome 14 (BBS14). Identifiers: Orphanet 110, MedGen C2673874, MONDO:0014442, OMIM 615991.
Joubert syndrome. Also called: JOUBERT-BOLTSHAUSER SYNDROME; Familial aplasia of the vermis. Identifiers: Orphanet 475, MedGen C5979921, MONDO:0018772.
Nephronophthisis. Also called: Juvenile Nephronophthisis. Identifiers: Orphanet 655, MedGen C0687120, MONDO:0019005, HP:0000090.
Meckel-Gruber syndrome. Also called: DYSENCEPHALIA SPLANCHNOCYSTICA; GRUBER SYNDROME; Dysencephalia splachnocystica. Identifiers: Orphanet 564, MedGen C0265215, MONDO:0018921.
Abnormality of the kidney. Also called: Congenital anomaly of the kidney; Congenital abnormalities of the kidney. Identifiers: MedGen C0266292, HP:0000077.
Polycystic kidney disease. Also called: Polycystic kidney dysplasia; Kidney, Polycystic. Identifiers: MedGen C0022680, MeSH D007690, MONDO:0020642, HP:0000113.
Hyperechogenic kidneys. Also called: echogenic kidneys. Identifiers: MedGen C3275899, HP:0004719.
Cerebellar vermis hypoplasia. Identifiers: MedGen C1840379, HP:0001320.
Cerebellar cyst. Identifiers: MedGen C1847762, HP:0002350.

Allele frequency attached by ClinVar (database versions not stated): gnomAD exomes below 0.00001; ExAC 0.00001.
gnomAD v4.1: 5 of 1,587,460 alleles (0.00031%); highest among the groups gnomAD compares: Non-Finnish European, 0.00043%; no homozygotes.

Submissions (3):

Baylor Genetics
Classification: Likely pathogenic for Bardet-Biedl syndrome 14. Last evaluated: 2023-10-04. Review status: criteria provided, single submitter. Criteria: ACMG Guidelines, 2015. Collection method: clinical testing. Allele origin: unknown.

Labcorp Genetics (formerly Invitae), Labcorp
Classification: Likely pathogenic for Joubert syndrome; Meckel-Gruber syndrome; Nephronophthisis. Last evaluated: 2023-09-29. Review status: criteria provided, single submitter. Criteria: Invitae Variant Classification Sherloc (09022015). Collection method: clinical testing. Allele origin: germline.
Comment: ClinVar contains an entry for this variant (Variation ID: 374210). This sequence change affects an acceptor splice site in intron 27 of the CEP290 gene. It is expected to disrupt RNA splicing. Variants that disrupt the donor or acceptor splice site typically lead to a loss of protein function (PMID: 16199547), and loss-of-function variants in CEP290 are known to be pathogenic (PMID: 16909394, 17345604, 20690115). This variant is not present in population databases (gnomAD no frequency). Disruption of this splice site has been observed in individual(s) with CEP290-related conditions (PMID: 17617513). Algorithms developed to predict the effect of sequence changes on RNA splicing suggest that this variant may disrupt the consensus splice site. In summary, the currently available evidence indicates that the variant is pathogenic, but additional data are needed to prove that conclusively. Therefore, this variant has been classified as Likely Pathogenic.

Centre for Mendelian Genomics, University Medical Centre Ljubljana
Classification: Pathogenic for Abnormality of the kidney; Agenesis of cerebellar vermis; Cerebellar cyst; Cerebellar vermis hypoplasia; Hyperechogenic kidneys; Polycystic kidney disease. Last evaluated: 2014-01-29. Review status: criteria provided, single submitter. Criteria: ACMG Guidelines, 2015. Collection method: clinical testing. Allele origin: unknown. Affected: yes.

Literature cited by the submitters: PubMed 16199547 (cited by Labcorp Genetics (formerly Invitae), Labcorp); PubMed 16909394 (cited by Labcorp Genetics (formerly Invitae), Labcorp); PubMed 17345604 (cited by Labcorp Genetics (formerly Invitae), Labcorp); PubMed 20690115 (cited by Labcorp Genetics (formerly Invitae), Labcorp); PubMed 17617513 (cited by Labcorp Genetics (formerly Invitae), Labcorp).

NM_025114.4(CEP290):c.3104-2A>G

Gene: CEP290 (centrosomal protein 290; minus strand). Cytogenetic location: 12q21.32.
Variant type: single nucleotide variant.
Coding change: c.3104-2A>G on transcript NM_025114.4 (MANE Select); the canonical splice acceptor site of the intron before coding-DNA position 3104, A replaced by G.
Molecular consequence: splice acceptor variant.
Genome position (GRCh38, 1-based): chr12:88,093,977, T>C on the plus strand (A>G on the coding strand, the complement: CEP290 is on the minus strand). VCF-style: chr12-88093977-T-C. GRCh37 (hg19) VCF-style: chr12-88487754-T-C.
Identifiers: ClinVar variation 374210 (VCV000374210.6), dbSNP rs773386777, ClinGen allele CA6712210.